The following is an entry in ClinVar:

NM_000051.4(ATM):c.8786G>A (p.Arg2929Lys)

Genes: ATM (ATM serine/threonine kinase; plus strand), C11orf65 (chromosome 11 open reading frame 65; minus strand). Cytogenetic location: 11q22.3.
Variant type: single nucleotide variant.
Coding change: c.8786G>A on transcript NM_000051.4 (MANE Select); coding-DNA position 8786, G replaced by A.
Protein change: p.Arg2929Lys; replaces arginine 2929 with lysine.
Molecular consequence: missense variant. On other transcripts: intron variant (2).
Genome position (GRCh38, 1-based): chr11:108,353,880, G>A. VCF-style: chr11-108353880-G-A. GRCh37 (hg19) VCF-style: chr11-108224607-G-A.
Other names: c.8786G>A, p.Arg2929Lys (NM_001351834.2); c.640+32040C>T (NM_001330368.2); c.695-18588C>T (NM_001351110.2); short protein forms R2929K.
Identifiers: ClinVar variation 3223387 (VCV003223387.1), dbSNP rs2137297549, ClinGen allele CA382524447.

ClinVar aggregate classification (germline): Uncertain significance (1 of 4 stars; one submission).

Conditions:
Hereditary cancer-predisposing syndrome. Also called: Tumor predisposition; Hereditary Cancer Syndrome; Hereditary neoplastic syndrome; Neoplastic Syndromes, Hereditary. Identifiers: Orphanet 140162, MedGen C0027672, MeSH D009386, MONDO:0015356.

Submission:

Ambry Genetics
Classification: Uncertain significance for Hereditary cancer-predisposing syndrome. Last evaluated: 2024-02-02. Review status: criteria provided, single submitter. Criteria: Ambry Variant Classification Scheme 2023. Collection method: clinical testing. Allele origin: germline.
Comment: The p.R2929K variant (also known as c.8786G>A), located in coding exon 59 of the ATM gene, results from a G to A substitution at nucleotide position 8786. The arginine at codon 2929 is replaced by lysine, an amino acid with highly similar properties. However, this change occurs in the last base pair of coding exon 59 and may have some effect on normal mRNA splicing. This nucleotide position is highly conserved in available vertebrate species. In silico splice site analysis predicts that this alteration will not have any significant effect on splicing. This amino acid position is highly conserved in available vertebrate species. In addition, as a missense substitution this is predicted to be inconclusive by in silico analysis. Based on the available evidence, the clinical significance of this alteration remains unclear.